The following is an entry in ClinVar:

NM_000071.3(CBS):c.667-14_667-7del

Gene: CBS (cystathionine beta-synthase; minus strand). Cytogenetic location: 21q22.3.
Variant type: Deletion.
Coding change: c.667-14_667-7del on transcript NM_000071.3 (MANE Select); 14 bases into the intron before coding-DNA position 667 through 7 bases into the intron before coding-DNA position 667, 8 bases deleted (CTCTTTCT; older notation c.667-14_667-7delCTCTTTCT).
Molecular consequence: intron variant.
Genome position (GRCh38, 1-based): chr21:43,065,279-43,065,286, AGAAAGAG deleted on the plus strand (CTCTTTCT on the coding strand, the reverse complement: CBS is on the minus strand); deleting any 8 consecutive bases within chr21:43,065,279-43,065,288 gives the same sequence; the c. name uses the placement nearest the transcript's 3' end. VCF-style (leftmost placement, unchanged base first): chr21-43065278-TAGAAAGAG-T. GRCh37 (hg19) VCF-style: chr21-44485388-TAGAAAGAG-T.
Other names: c.667-14_667-7del (NM_001320298.2, NM_001178009.3, NM_001178008.3); c.352-14_352-7del (NM_001321072.1); c.667-14_667-7delCTCTTTCT (NM_000071.3, NM_000071.2); c.667-14_667-7del8 (NM_000071.2).
Identifiers: ClinVar variation 188911 (VCV000188911.21), dbSNP rs764160782, ClinGen allele CA274115.

ClinVar aggregate classification (germline): Pathogenic/Likely pathogenic. Review status: criteria provided, multiple submitters, no conflicts (2 of 4 stars). 9 submissions from 9 submitters: Pathogenic (4); Likely pathogenic (4). 1 of the submissions does not count toward it. Last evaluated 2025-10-29.

Conditions:
CBS-related disorder. Also called: CBS-related condition.
Homocystinuria. Identifiers: MedGen C0019880, MONDO:0004737, HP:0002156.
Classic homocystinuria. Also called: HOMOCYSTINURIA WITH OR WITHOUT RESPONSE TO PYRIDOXINE; Homocystinuria due to Cystathionine Beta-Synthase Deficiency; Homocystinuria due to CBS deficiency; Cystathionine beta-synthase deficiency; CBS deficiency. Identifiers: Orphanet 394, MedGen C0751202, MONDO:0009352, OMIM 236200.
Familial thoracic aortic aneurysm and aortic dissection (TAAD). Also called: Thoracic aortic aneurysms and dissections. Identifiers: Orphanet 91387, MedGen C4707243, MONDO:0019625.
HYPERHOMOCYSTEINEMIA, THROMBOTIC, CBS-RELATED. Identifiers: MedGen C3150344, OMIM 236200.

Submissions (9):

Women's Health and Genetics/Laboratory Corporation of America, LabCorp
Classification: Pathogenic for Homocystinuria. Last evaluated: 2025-10-29. Review status: criteria provided, single submitter. Criteria: LabCorp Variant Classification Summary - May 2015. Collection method: clinical testing. Allele origin: germline.
Comment: Variant summary: CBS c.667-14_667-7delCTCTTTCT alters a nucleotide located at a position not widely known to affect splicing. Several computational tools predict a significant impact on normal splicing: One predicts the variant abolishes a 3 acceptor site. Two predict the variant weakens a 3 acceptor site. At least one publication reports experimental evidence that this variant affects mRNA splicing, demonstrating exon 6 skipping in a minigene assay that would produce a frameshift (Cozar 2011). The variant allele was found at a frequency of 4e-06 in 251350 control chromosomes (gnomAD). c.667-14_667-7delCTCTTTCT has been reported in the literature in two compound heterozygous siblings, who were affected with severe Homocystinuria (Cozar 2011). The variant has been also reported in other patients who also carried pathogenic CBS variants (Lorenzini 2018, Asamoah_2021). These data indicate that the variant is likely to be associated with disease. The following publications have been ascertained in the context of this evaluation (PMID: 34449521, 21520339, 28980096). ClinVar contains an entry for this variant (Variation ID: 188911). Based on the evidence outlined above, the variant was classified as pathogenic.

PreventionGenetics, part of Exact Sciences
Classification: Pathogenic for CBS-related condition. Last evaluated: 2025-10-16. Review status: criteria provided, single submitter. Criteria: ACMG Guidelines, 2015. Collection method: clinical testing. Allele origin: germline.
Comment: The CBS c.667-14_667-7del8 variant is predicted to result in an intronic deletion. This variant has been reported in the homozygous and compound heterozygous state in several individuals with homocystinuria (Cozar et al. 2011. PubMed ID: 21520339; Asamoah et al. 2021. PubMed ID: 34449521) and in the heterozygous state in an individual with aortic root dilation (Lorenzini et al. 2017. PubMed ID: 28980096). This variant is reported in 0.0015% of alleles in individuals of European (non-Finnish) descent in gnomAD. RT-PCR studies using HEK293 cells showed the c.667-14_667-7del variant revealed an aberrant mRNA transcript leading to skipping of exon 6, producing a frameshift (Cozar et al. 2011. PubMed ID: 21520339). This variant is interpreted as pathogenic.

Natera, Inc.
Classification: Likely pathogenic for Homocystinuria due to cystathionine beta-synthase deficiency. Last evaluated: 2025-09-09. Review status: criteria provided, single submitter. Criteria: Natera Variant Classification Schema (03/2026). Collection method: clinical testing. Allele origin: germline.
Comment: The c.667-14_667-7delCTCTTTCT variant in CBS is a deletion affecting an intronic region. This variant is rare in the general population with a frequency below the threshold expected for the associated phenotype(s). This variant has been observed in one or more individuals affected with the associated recessive disease, as either homozygous or compound heterozygous with a second variant (PMID: 21520339). Additionally, this variant has been observed to segregate in affected family members (PMID: 21520339). Functional studies show that this variant may disrupt protein function (PMID: 21520339). Given the available evidence, this variant is classified as Likely Pathogenic.

Labcorp Genetics (formerly Invitae), Labcorp
Classification: Pathogenic for HYPERHOMOCYSTEINEMIA, THROMBOTIC, CBS-RELATED. Last evaluated: 2025-07-13. Review status: criteria provided, single submitter. Criteria: Invitae Variant Classification Sherloc (09022015). Collection method: clinical testing. Allele origin: germline.
Comment: This sequence change falls in intron 7 of the CBS gene. It does not directly change the encoded amino acid sequence of the CBS protein. It affects a nucleotide within the consensus splice site. This variant is present in population databases (rs764160782, gnomAD 0.002%). This variant has been observed in individual(s) with homocystinuria (PMID: 21520339, 28980096; internal data). In at least one individual the data is consistent with being in trans (on the opposite chromosome) from a pathogenic variant. ClinVar contains an entry for this variant (Variation ID: 188911). Variants that disrupt the consensus splice site are a relatively common cause of aberrant splicing (PMID: 17576681, 9536098). Studies have shown that this variant alters mRNA splicing and is expected to lead to the loss of protein expression (PMID: 21520339). For these reasons, this variant has been classified as Pathogenic.

Ambry Genetics
Classification: Likely pathogenic for Familial thoracic aortic aneurysm and aortic dissection. Last evaluated: 2024-10-19. Review status: criteria provided, single submitter. Criteria: Ambry Variant Classification Scheme 2023. Collection method: clinical testing. Allele origin: germline.
Comment: The c.667-14_667-7delCTCTTTCT intronic variant, located in intron 5 of the CBS gene, results from a deletion of 8 nucleotides within intron 5 of the CBS gene. This variant has been identified in conjunction with other CBS variant(s) in individual(s) with features consistent with homocystinuria, and in at least one instance, the variants were identified in trans (Cozar M et al. Hum Mutat, 2011 Jul;32:835-42; Lorenzini M et al. J Inherit Metab Dis, 2018 Jan;41:109-115; Asamoah A et al. Int J Neonatal Screen, 2021 Jul;7:[ePub ahead of print]). In a minigene assay, this variant showed complete aberrant splicing that resulted in exon skipping with an out-of-frame transcript (Cozar M et al. Hum Mutat, 2011 Jul;32:835-42). This nucleotide positions are not well conserved in available vertebrate species. This variant is considered to be rare based on population cohorts in the Genome Aggregation Database (gnomAD). Based on the majority of available evidence to date, this variant is likely to be pathogenic.

Baylor Genetics
Classification: Likely pathogenic for Classic homocystinuria. Last evaluated: 2024-01-01. Review status: criteria provided, single submitter. Criteria: ACMG Guidelines, 2015. Collection method: clinical testing. Allele origin: unknown.

Fulgent Genetics
Classification: Likely pathogenic for Classic homocystinuria. Last evaluated: 2021-10-29. Review status: criteria provided, single submitter. Criteria: ACMG Guidelines, 2015. Collection method: clinical testing. Allele origin: unknown.

GeneDx
Classification: Pathogenic. Last evaluated: 2020-01-23. Review status: criteria provided, single submitter. Criteria: GeneDx Variant Classification Process June 2021. Collection method: clinical testing. Allele origin: germline. Affected: yes.
Comment: Functional analysis found that c.667-14_667-7delCTCTTTCT results in exon 6 skipping and produces a frameshift (Cozar et al., 2011).; Not observed at a significant frequency in large population cohorts (Lek et al., 2016); In silico analysis, which includes splice predictors and evolutionary conservation, supports a deleterious effect; This variant is associated with the following publications: (PMID: 21520339)

Counsyl
Classification: Likely pathogenic for Homocystinuria due to CBS deficiency. Last evaluated: 2014-08-01. Review status: no assertion criteria provided. Collection method: literature only. Allele origin: unknown. Inheritance: Autosomal recessive inheritance. Not counted in ClinVar's aggregate classification.

Literature cited by the submitters: PubMed 21520339 (cited by 5 submitters); PubMed 28980096 (cited by 3 submitters); PubMed 34449521 (cited by Women's Health and Genetics/Laboratory Corporation of America, LabCorp and Ambry Genetics); PubMed 17576681 (cited by Labcorp Genetics (formerly Invitae), Labcorp); PubMed 9536098 (cited by Labcorp Genetics (formerly Invitae), Labcorp).